The following is an entry in ClinVar:

ClinVar aggregate classification (germline): Benign. Review status: criteria provided, multiple submitters, no conflicts (2 of 4 stars). 4 submissions from 4 submitters: Benign (4). Last evaluated 2026-02-02.

Conditions:
Palmoplantar keratoderma, epidermolytic. Also called: Localized epidermolytic hyperkeratosis. Identifiers: MedGen C1721006, MONDO:0968949, HP:0007559.

Allele frequency attached by ClinVar (database versions not stated): ESP Exome Variant Server 0.00643; 1000 Genomes Project 0.00879; 1000 Genomes Project 30x 0.01156; TOPMed 0.01253; gnomAD exomes 0.01806; ExAC 0.02428.
gnomAD v4.1: 18,868 of 1,584,034 alleles (1.2%); highest among the groups gnomAD compares: Admixed American, 6.6%; 231 homozygotes.

Submissions (4):

Labcorp Genetics (formerly Invitae), Labcorp
Classification: Benign. Last evaluated: 2026-02-02. Review status: criteria provided, single submitter. Criteria: Invitae Variant Classification Sherloc (09022015). Collection method: clinical testing. Allele origin: germline.

GeneDx
Classification: Benign. Last evaluated: 2021-05-04. Review status: criteria provided, single submitter. Criteria: GeneDx Variant Classification Process June 2021. Collection method: clinical testing. Allele origin: germline. Affected: yes.

Illumina Laboratory Services, Illumina
Classification: Benign for Epidermolytic palmoplantar keratoderma, 1. Last evaluated: 2018-01-12. Review status: criteria provided, single submitter. Criteria: ICSL Variant Classification Criteria 13 December 2019. Collection method: clinical testing. Allele origin: germline.
Comment: This variant was observed in the ICSL laboratory as part of a predisposition screen in an ostensibly healthy population. It had not been previously curated by ICSL or reported in the Human Gene Mutation Database (HGMD: prior to June 1st, 2018), and was therefore a candidate for classification through an automated scoring system. Utilizing variant allele frequency, disease prevalence and penetrance estimates, and inheritance mode, an automated score was calculated to assess if this variant is too frequent to cause the disease. Based on the score and internal cut-off values, a variant classified as benign is not then subjected to further curation. The score for this variant resulted in a classification of benign for this disease.

Breakthrough Genomics
Classification: Benign. Review status: criteria provided, single submitter. Criteria: ACMG Guidelines, 2015. Collection method: not provided. Allele origin: germline. Inheritance: Autosomal dominant inheritance. Affected: yes.

NM_000226.4(KRT9):c.42C>T (p.Ser14=)

Gene: KRT9 (keratin 9; minus strand). Cytogenetic location: 17q21.2.
Variant type: single nucleotide variant.
Coding change: c.42C>T on transcript NM_000226.4 (MANE Select); coding-DNA position 42, C replaced by T.
Protein change: p.Ser14=; no amino-acid change (serine 14 retained).
Molecular consequence: synonymous variant.
Genome position (GRCh38, 1-based): chr17:41,571,951, G>A on the plus strand (C>T on the coding strand, the complement: KRT9 is on the minus strand). VCF-style: chr17-41571951-G-A. GRCh37 (hg19) VCF-style: chr17-39728203-G-A.
Identifiers: ClinVar variation 323143 (VCV000323143.16), dbSNP rs116077803, ClinGen allele CA8562347.